The following is an entry in ClinVar:

ClinVar aggregate classification (germline): Benign/Likely benign. Review status: criteria provided, multiple submitters, no conflicts (2 of 4 stars). 14 submissions from 13 submitters: Benign (6); Likely benign (4). 4 of the submissions do not count toward it. Last evaluated 2026-04-01.

Conditions:
Freeman-Sheldon syndrome (DA2A). Also called: CRANIOCARPOTARSAL DYSPLASIA; CRANIOCARPOTARSAL DYSTROPHY; Arthrogryposis, distal, type 2A (Freeman-Sheldon); WHISTLING FACE-WINDMILL VANE HAND SYNDROME. Identifiers: Orphanet 2053, MedGen C0265224, MONDO:0008675, OMIM 193700.
Distal arthrogryposis type 2B1 (DA2B1). Also called: Arthrogryposis multiplex congenita distal type II with craniofacial abnormalities. Identifiers: Orphanet 1147, MedGen C5193014, MONDO:0020820, OMIM 601680.

Allele frequency attached by ClinVar (database versions not stated): 1000 Genomes Project 30x 0.00234; 1000 Genomes Project 0.00240; TOPMed 0.00593; gnomAD 0.00630 and 0.00641; gnomAD exomes 0.00637 and 0.00857; ExAC 0.00676; ESP Exome Variant Server 0.00777.
gnomAD v4.1: 13,410 of 1,613,956 alleles (0.83%); highest among the groups gnomAD compares: Non-Finnish European, 1%; 76 homozygotes.

Submissions (14):

CeGaT Center for Human Genetics Tuebingen
Classification: Benign. Last evaluated: 2026-04-01. Review status: criteria provided, single submitter. Criteria: CeGaT Center For Human Genetics Tuebingen Variant Classification Criteria Version 2. Collection method: clinical testing. Allele origin: germline. Affected: yes. Observed: 5 variant alleles.
Comment: MYH3: BS1, BS2

Labcorp Genetics (formerly Invitae), Labcorp
Classification: Benign. Last evaluated: 2026-02-02. Review status: criteria provided, single submitter. Criteria: Invitae Variant Classification Sherloc (09022015). Collection method: clinical testing. Allele origin: germline.

Blueprint Genetics
Classification: Likely benign. Last evaluated: 2024-11-15. Review status: criteria provided, single submitter. Criteria: ACMG Guidelines, 2015. Collection method: clinical testing. Allele origin: germline.

GeneDx
Classification: Likely benign. Last evaluated: 2021-04-27. Review status: criteria provided, single submitter. Criteria: GeneDx Variant Classification Process June 2021. Collection method: clinical testing. Allele origin: germline. Affected: yes.

Illumina Laboratory Services, Illumina
Classification: Benign for Distal arthrogryposis type 2B1. Last evaluated: 2018-01-12. Review status: criteria provided, single submitter. Criteria: ICSL Variant Classification Criteria 13 December 2019. Collection method: clinical testing. Allele origin: germline.
Comment: This variant was observed in the ICSL laboratory as part of a predisposition screen in an ostensibly healthy population. It had not been previously curated by ICSL or reported in the Human Gene Mutation Database (HGMD: prior to June 1st, 2018), and was therefore a candidate for classification through an automated scoring system. Utilizing variant allele frequency, disease prevalence and penetrance estimates, and inheritance mode, an automated score was calculated to assess if this variant is too frequent to cause the disease. Based on the score and internal cut-off values, a variant classified as benign is not then subjected to further curation. The score for this variant resulted in a classification of benign for this disease.

Illumina Laboratory Services, Illumina
Classification: Benign for Freeman-Sheldon syndrome. Last evaluated: 2018-01-12. Review status: criteria provided, single submitter. Criteria: ICSL Variant Classification Criteria 13 December 2019. Collection method: clinical testing. Allele origin: germline.
Comment: the same text as in the submission from Illumina Laboratory Services, Illumina above.

Center for Pediatric Genomic Medicine, Children's Mercy Hospital and Clinics
Classification: Benign. Last evaluated: 2015-12-23. Review status: criteria provided, single submitter. Criteria: ACMG Guidelines, 2015. Collection method: clinical testing. Allele origin: germline.

Genetic Services Laboratory, University of Chicago
Classification: Likely benign. Last evaluated: 2015-08-04. Review status: criteria provided, single submitter. Criteria: ACMG Guidelines, 2015. Collection method: clinical testing. Allele origin: germline.

Breakthrough Genomics
Classification: Likely benign. Review status: criteria provided, single submitter. Criteria: ACMG Guidelines, 2015. Collection method: not provided. Allele origin: germline. Inheritance: Autosomal recessive inheritance. Affected: yes.

PreventionGenetics, part of Exact Sciences
Classification: Benign. Review status: criteria provided, single submitter. Criteria: ACMG Guidelines, 2015. Collection method: clinical testing. Allele origin: germline.

Clinical Genetics DNA and cytogenetics Diagnostics Lab, Erasmus MC, Erasmus Medical Center
Classification: Benign. Review status: no assertion criteria provided. Collection method: clinical testing. Allele origin: germline. Affected: yes. Study: VKGL Data-share Consensus. Not counted in ClinVar's aggregate classification.

Clinical Genetics, Academic Medical Center
Classification: Benign. Review status: no assertion criteria provided. Collection method: clinical testing. Allele origin: germline. Affected: yes. Study: VKGL Data-share Consensus. Not counted in ClinVar's aggregate classification.

Genome Diagnostics Laboratory, University Medical Center Utrecht
Classification: Likely benign. Review status: no assertion criteria provided. Collection method: clinical testing. Allele origin: germline. Affected: yes. Study: VKGL Data-share Consensus. Not counted in ClinVar's aggregate classification.

Laboratory of Diagnostic Genome Analysis, Leiden University Medical Center (LUMC)
Classification: Likely benign. Review status: no assertion criteria provided. Collection method: clinical testing. Allele origin: germline. Affected: yes. Study: VKGL Data-share Consensus. Not counted in ClinVar's aggregate classification.

NM_002470.4(MYH3):c.3592G>A (p.Ala1198Thr)

Gene: MYH3 (myosin heavy chain 3; minus strand). Cytogenetic location: 17p13.1.
Variant type: single nucleotide variant.
Coding change: c.3592G>A on transcript NM_002470.4 (MANE Select); coding-DNA position 3592, G replaced by A.
Protein change: p.Ala1198Thr; replaces alanine 1198 with threonine.
Molecular consequence: missense variant.
Genome position (GRCh38, 1-based): chr17:10,638,180, C>T on the plus strand (G>A on the coding strand, the complement: MYH3 is on the minus strand). VCF-style: chr17-10638180-C-T. GRCh37 (hg19) VCF-style: chr17-10541497-C-T.
Other names: short protein forms A1198T.
Identifiers: ClinVar variation 211552 (VCV000211552.55), dbSNP rs61735358, ClinGen allele CA206196.